The following is an entry in ClinVar:

GRCh37/hg19 Xp22.33(chrX:502858-837407)x1

Variant type: copy number loss.
Change: copy number 1 of chrX:502,858-837,407 (334.6 kb, GRCh37 coordinates, 1-based), cytogenetic band Xp22.33.
Identifiers: ClinVar variation 2685686 (VCV002685686.1).

ClinVar aggregate classification (germline): Pathogenic (1 of 4 stars; one submission).

Submission:

Quest Diagnostics Nichols Institute San Juan Capistrano
Classification: Pathogenic. Last evaluated: 2022-11-10. Review status: criteria provided, single submitter. Criteria: ACMG/ClinGen CNV Guidelines, 2019. Collection method: clinical testing. Allele origin: unknown.
Comment: The microdeletion at Xp22.33 (Xp/Yp pseudoautosomal region 1; PAR1) involves the SHOX gene (OMIM 312865). The phenotypic spectrum of SHOX deficiency disorders (Binder and Rappold, GeneReviews: [Internet]. Seattle (WA): University of Washington, Seattle; 1993. 2005 Dec 12 [updated 2018 Jun 28]. PMID: 20301394), caused by haploinsufficiency of the SHOX gene, ranges from Leri-Weill dyschondrosteosis (LWD; OMIM 127300) to idiopathic familial short stature (OMIM 300582). Thus, based on current medical literature, this copy number variant (CNV) is classified as pathogenic with variable expressivity.